The following is an entry in ClinVar:

NM_004369.4(COL6A3):c.6036C>T (p.Asp2012=)

Gene: COL6A3 (collagen type VI alpha 3 chain; minus strand). Cytogenetic location: 2q37.3.
Variant type: single nucleotide variant.
Coding change: c.6036C>T on transcript NM_004369.4 (MANE Select); coding-DNA position 6036, C replaced by T.
Protein change: p.Asp2012=; no amino-acid change (aspartic acid 2012 retained).
Molecular consequence: synonymous variant.
Genome position (GRCh38, 1-based): chr2:237,363,280, G>A on the plus strand (C>T on the coding strand, the complement: COL6A3 is on the minus strand). VCF-style: chr2-237363280-G-A. GRCh37 (hg19) VCF-style: chr2-238271923-G-A.
Other names: c.4215C>T, p.Asp1405= (NM_057166.5); c.5418C>T, p.Asp1806= (NM_057167.4).
Identifiers: ClinVar variation 513876 (VCV000513876.12), dbSNP rs771602562, ClinGen allele CA2188497.

ClinVar aggregate classification (germline): Likely benign. Review status: criteria provided, multiple submitters, no conflicts (2 of 4 stars). 2 submissions from 2 submitters: Likely benign (2). Last evaluated 2019-01-09.

Conditions:
Bethlem myopathy 1A. Also called: MYOPATHY, BENIGN CONGENITAL, WITH CONTRACTURES; Bethlem myopathy 1; Bethlem Muscular Dystrophy. Identifiers: Orphanet 610, MedGen CN029274, MONDO:0024530, OMIM 158810.

Allele frequency attached by ClinVar (database versions not stated): gnomAD exomes below 0.00001; ExAC 0.00001; gnomAD 0.00001 and 0.00002; TOPMed 0.00001.
gnomAD v4.1: 2 of 1,613,704 alleles (0.00012%); highest among the groups gnomAD compares: African/African-American, 0.0027%; no homozygotes.

Submissions (2):

Labcorp Genetics (formerly Invitae), Labcorp
Classification: Likely benign for Bethlem myopathy 1A. Last evaluated: 2019-01-09. Review status: criteria provided, single submitter. Criteria: Invitae Variant Classification Sherloc (09022015). Collection method: clinical testing. Allele origin: germline.

GeneDx
Classification: Likely benign. Last evaluated: 2017-12-06. Review status: criteria provided, single submitter. Criteria: GeneDx Variant Classification (06012015). Collection method: clinical testing. Allele origin: germline. Affected: yes.
Comment: This variant is considered likely benign or benign based on one or more of the following criteria: it is a conservative change, it occurs at a poorly conserved position in the protein, it is predicted to be benign by multiple in silico algorithms, and/or has population frequency not consistent with disease.